The following is an entry in ClinVar:

NM_002968.3(SALL1):c.924del (p.Ser309fs)

Gene: SALL1 (spalt like transcription factor 1; minus strand). Cytogenetic location: 16q12.1.
Variant type: Deletion.
Coding change: c.924del on transcript NM_002968.3 (MANE Select); coding-DNA position 924, one base deleted (C; older notation c.924delC).
Protein change: p.Ser309fs; shifts the reading frame from serine 309.
Molecular consequence: frameshift variant.
Genome position (GRCh38, 1-based): chr16:51,141,298, G deleted on the plus strand (C on the coding strand, the reverse complement: SALL1 is on the minus strand); the first of 2 consecutive G bases (chr16:51,141,298-51,141,299); deleting either gives the same sequence. VCF-style (leftmost placement, unchanged base first): chr16-51141297-TG-T. GRCh37 (hg19) VCF-style: chr16-51175208-TG-T.
Other names: c.633del, p.Ser212fs (NM_001127892.2); short protein forms S212fs, S309fs.
Identifiers: ClinVar variation 4714405 (VCV004714405.1).

ClinVar aggregate classification (germline): Pathogenic (1 of 4 stars; one submission).

Conditions:
Townes syndrome (TBS). Also called: Townes-Brocks syndrome. Identifiers: Orphanet 857, MedGen C0265246, MeSH C536974, MONDO:0007142.

Submission:

Labcorp Genetics (formerly Invitae), Labcorp
Classification: Pathogenic for Townes syndrome. Last evaluated: 2025-03-05. Review status: criteria provided, single submitter. Criteria: Invitae Variant Classification Sherloc (09022015). Collection method: clinical testing. Allele origin: germline.
Comment: This sequence change creates a premature translational stop signal (p.Ser309Alafs*5) in the SALL1 gene. It is expected to result in an absent or disrupted protein product. Loss-of-function variants in SALL1 are known to be pathogenic (PMID: 9973281, 12915476, 16088922, 23069192). This variant is not present in population databases (gnomAD no frequency). This variant has not been reported in the literature in individuals affected with SALL1-related conditions. For these reasons, this variant has been classified as Pathogenic.

Literature cited by the submitters: PubMed 9973281; PubMed 12915476; PubMed 16088922; PubMed 23069192.